The following is an entry in ClinVar:

NM_001041.4(SI):c.1936del (p.Cys646fs)

Gene: SI (sucrase-isomaltase; minus strand). Cytogenetic location: 3q26.1.
Variant type: Deletion.
Coding change: c.1936del on transcript NM_001041.4 (MANE Select); coding-DNA position 1936, one base deleted (T; older notation c.1936delT).
Protein change: p.Cys646fs; shifts the reading frame from cysteine 646.
Molecular consequence: frameshift variant.
Genome position (GRCh38, 1-based): chr3:165,043,127, A deleted on the plus strand (T on the coding strand, the reverse complement: SI is on the minus strand); the first of 3 consecutive A bases (chr3:165,043,127-165,043,129); deleting any one gives the same sequence. VCF-style (leftmost placement, unchanged base first): chr3-165043126-CA-C. GRCh37 (hg19) VCF-style: chr3-164760914-CA-C.
Other names: short protein forms C646fs.
Identifiers: ClinVar variation 1454103 (VCV001454103.6), dbSNP rs775994398, ClinGen allele CA2690898.

ClinVar aggregate classification (germline): Pathogenic (1 of 4 stars; one submission).

Submission:

Labcorp Genetics (formerly Invitae), Labcorp
Classification: Pathogenic. Last evaluated: 2022-12-06. Review status: criteria provided, single submitter. Criteria: Invitae Variant Classification Sherloc (09022015). Collection method: clinical testing. Allele origin: germline.
Comment: This variant is present in population databases (rs775994398, gnomAD 0.01%). This sequence change creates a premature translational stop signal (p.Cys646Alafs*44) in the SI gene. It is expected to result in an absent or disrupted protein product. Loss-of-function variants in SI are known to be pathogenic (PMID: 16329100, 23103650, 25452324). This variant has not been reported in the literature in individuals affected with SI-related conditions. ClinVar contains an entry for this variant (Variation ID: 1454103). For these reasons, this variant has been classified as Pathogenic.

Literature cited by the submitters: PubMed 16329100; PubMed 23103650; PubMed 25452324.